The following is an entry in ClinVar:

ClinVar aggregate classification (germline): Uncertain significance (1 of 4 stars; one submission).

Conditions:
Inborn genetic diseases. Identifiers: MedGen C0950123, MeSH D030342.

Submission:

Ambry Genetics
Classification: Uncertain significance for Inborn genetic diseases. Last evaluated: 2016-09-07. Review status: criteria provided, single submitter. Criteria: Ambry Variant Classification Scheme 2023. Collection method: clinical testing. Allele origin: germline.
Comment: The p.I274V variant (also known as c.820A>G), located in coding exon 8 of the SMS gene, results from an A to G substitution at nucleotide position 820. The isoleucine at codon 274 is replaced by valine, an amino acid with highly similar properties. This variant was not reported in population based cohorts in the following databases: Database of Single Nucleotide Polymorphisms (dbSNP), NHLBI Exome Sequencing Project (ESP), and 1000 Genomes Project. In the ESP, this variant was not observed in 6503 samples with coverage at this position. This amino acid position is highly conserved in available vertebrate species. In addition, the in silico prediction for this alteration is inconclusive. Since supporting evidence is limited at this time, the clinical significance of this variant remains unclear.

NM_004595.5(SMS):c.820A>G (p.Ile274Val)

Gene: SMS (spermine synthase; plus strand). Cytogenetic location: Xp22.11.
Variant type: single nucleotide variant.
Coding change: c.820A>G on transcript NM_004595.5 (MANE Select); coding-DNA position 820, A replaced by G.
Protein change: p.Ile274Val; replaces isoleucine 274 with valine.
Molecular consequence: missense variant.
Genome position (GRCh38, 1-based): chrX:21,984,373, A>G. VCF-style: chrX-21984373-A-G. GRCh37 (hg19) VCF-style: chrX-22002491-A-G.
Other names: c.661A>G, p.Ile221Val (NM_001258423.2); short protein forms I274V, I221V.
Identifiers: ClinVar variation 588239 (VCV000588239.5), dbSNP rs1569354289, ClinGen allele CA412570339.
Genomic context (GRCh38, chrX:21,984,373, plus strand): 5'-GAAGACTGTATCCCGGTACTGAAGAGGTACGCCAAAGAAGGGAGAGAATTTGATTATGTG[A>G]TTAATGATTTGACAGCTGTTCCAATCTCCACGTCTCCAGAAGAAGGTAGATTTTTTTAAC-3'
Protein context (NP_004586.2, residues 264-284): AKEGREFDYV[Ile274Val]NDLTAVPIST